The following is an entry in ClinVar:

ClinVar aggregate classification (germline): Uncertain significance (1 of 4 stars; one submission).

Conditions:
Aortic valve disease 2 (AOVD2). Identifiers: MedGen C3542024, MONDO:0013902, OMIM 614823.

gnomAD v4.1: 1 of 1,603,000 alleles (0.000062%); highest among the groups gnomAD compares: Non-Finnish European, 0.000085%; no homozygotes.

Submission:

Labcorp Genetics (formerly Invitae), Labcorp
Classification: Uncertain significance for Aortic valve disease 2. Last evaluated: 2023-06-23. Review status: criteria provided, single submitter. Criteria: Invitae Variant Classification Sherloc (09022015). Collection method: clinical testing. Allele origin: germline.
Comment: ClinVar contains an entry for this variant (Variation ID: 1420376). In summary, the available evidence is currently insufficient to determine the role of this variant in disease. Therefore, it has been classified as a Variant of Uncertain Significance. Advanced modeling of protein sequence and biophysical properties (such as structural, functional, and spatial information, amino acid conservation, physicochemical variation, residue mobility, and thermodynamic stability) performed at Invitae indicates that this missense variant is expected to disrupt SMAD6 protein function. This variant has not been reported in the literature in individuals affected with SMAD6-related conditions. This variant is not present in population databases (gnomAD no frequency). This sequence change replaces glutamic acid, which is acidic and polar, with aspartic acid, which is acidic and polar, at codon 338 of the SMAD6 protein (p.Glu338Asp).

NM_005585.5(SMAD6):c.1014G>C (p.Glu338Asp)

Gene: SMAD6 (SMAD family member 6; plus strand). Cytogenetic location: 15q22.31.
Variant type: single nucleotide variant.
Coding change: c.1014G>C on transcript NM_005585.5 (MANE Select); coding-DNA position 1014, G replaced by C.
Protein change: p.Glu338Asp; replaces glutamic acid 338 with aspartic acid.
Molecular consequence: missense variant. On other transcripts: non-coding transcript variant (1).
Genome position (GRCh38, 1-based): chr15:66,781,058, G>C. VCF-style: chr15-66781058-G-C. GRCh37 (hg19) VCF-style: chr15-67073396-G-C.
Other names: short protein forms E338D.
Identifiers: ClinVar variation 1420376 (VCV001420376.8), dbSNP rs2140681200, ClinGen allele CA393201680.
Genomic context (GRCh38, chr15:66,781,058, plus strand): 5'-CGCCAGCATGTCTCCGGACGCCACCAAGCCGAGCCACTGGTGCAGCGTGGCGTACTGGGA[G>C]CACCGGACGCGCGTGGGCCGCCTCTATGCGGTGTACGACCAGGCCGTCAGCATCTTCTAC-3'
Protein context (NP_005576.3, residues 328-348): PSHWCSVAYW[Glu338Asp]HRTRVGRLYA